The following is an entry in ClinVar:

ClinVar aggregate classification (germline): Uncertain significance (1 of 4 stars; one submission).

Conditions:
Long QT syndrome (LQTS). Identifiers: MedGen C0023976, MeSH D008133, MONDO:0002442. Disease mechanism: loss of function. Inheritance: Various modes of inheritance.

Allele frequency attached by ClinVar (database versions not stated): gnomAD exomes 0.00002; TOPMed 0.00017; gnomAD 0.00023.
gnomAD v4.1: 57 of 1,613,752 alleles (0.0035%); highest among the groups gnomAD compares: Admixed American, 0.09%; 1 homozygote.

Submission:

Labcorp Genetics (formerly Invitae), Labcorp
Classification: Uncertain significance for Long QT syndrome. Last evaluated: 2025-10-07. Review status: criteria provided, single submitter. Criteria: Invitae Variant Classification Sherloc (09022015). Collection method: clinical testing. Allele origin: germline.
Comment: This sequence change replaces glutamic acid, which is acidic and polar, with aspartic acid, which is acidic and polar, at codon 2983 of the AKAP9 protein (p.Glu2983Asp). This variant is present in population databases (no rsID available, gnomAD 0.07%), and has an allele count higher than expected for a pathogenic variant. This missense change has been observed in individual(s) with long QT syndrome (PMID: 34546463). ClinVar contains an entry for this variant (Variation ID: 1985329). An algorithm developed to predict the effect of missense changes on protein structure and function (PolyPhen-2) suggests that this variant is likely to be disruptive. In summary, the available evidence is currently insufficient to determine the role of this variant in disease. Therefore, it has been classified as a Variant of Uncertain Significance.

Literature cited by the submitters: PubMed 34546463.

NM_005751.5(AKAP9):c.8949G>C (p.Glu2983Asp)

Gene: AKAP9 (A-kinase anchoring protein 9; plus strand). Cytogenetic location: 7q21.2.
Variant type: single nucleotide variant.
Coding change: c.8949G>C on transcript NM_005751.5 (MANE Select); coding-DNA position 8949, G replaced by C.
Protein change: p.Glu2983Asp; replaces glutamic acid 2983 with aspartic acid.
Molecular consequence: missense variant.
Genome position (GRCh38, 1-based): chr7:92,085,611, G>C. VCF-style: chr7-92085611-G-C. GRCh37 (hg19) VCF-style: chr7-91714925-G-C.
Other names: c.3594G>C, p.Glu1198Asp (NM_001379277.1); c.8925G>C, p.Glu2975Asp (NM_147185.3); short protein forms E1198D, E2983D, E2975D.
Identifiers: ClinVar variation 1985329 (VCV001985329.4), dbSNP rs1286735048, ClinGen allele CA368143046.
Genomic context (GRCh38, chr7:92,085,611, plus strand): 5'-TCCCTATAGTGATGGAGAGGACCATTCTATTCAGCAGGTTTCAGAACCTTGGCTAGAAGA[G>C]AGAAAAGCTTACATCAATACAATCTCATCTCTAAAGGATTTAATTACAAAGATGCAACTG-3'
Protein context (NP_005742.4, residues 2973-2993): IQQVSEPWLE[Glu2983Asp]RKAYINTISS